The following is an entry in ClinVar:

NM_001110556.2(FLNA):c.7267C>T (p.Pro2423Ser)

Gene: FLNA (filamin A; minus strand). Cytogenetic location: Xq28.
Variant type: single nucleotide variant.
Coding change: c.7267C>T on transcript NM_001110556.2 (MANE Select); coding-DNA position 7267, C replaced by T.
Protein change: p.Pro2423Ser; replaces proline 2423 with serine.
Molecular consequence: missense variant.
Genome position (GRCh38, 1-based): chrX:154,350,097, G>A on the plus strand (C>T on the coding strand, the complement: FLNA is on the minus strand). VCF-style: chrX-154350097-G-A. GRCh37 (hg19) VCF-style: chrX-153578465-G-A.
Other names: p.P2415S:CCT>TCT; c.7243C>T, p.Pro2415Ser (NM_001456.4); short protein forms P2415S, P2423S.
Identifiers: ClinVar variation 213485 (VCV000213485.43), dbSNP rs200198847, ClinGen allele CA321587.

ClinVar aggregate classification (germline): Benign/Likely benign. Review status: criteria provided, multiple submitters, no conflicts (2 of 4 stars). 16 submissions from 16 submitters: Benign (2); Likely benign (10). 4 of the submissions do not count toward it. Last evaluated 2026-01-30.

Conditions:
Melnick-Needles syndrome (MNS). Also called: MELNICK-NEEDLES OSTEODYSPLASTY; OSTEODYSPLASTY OF MELNICK AND NEEDLES; Melnick-Needles Syndrome (FLNA-MNS). Identifiers: Orphanet 2484, MedGen C0025237, MONDO:0010650, OMIM 309350.
Oto-palato-digital syndrome, type II (OPD2). Also called: Otopalatodigital Syndrome, Type II; FACIOPALATOOSSEOUS SYNDROME; OPD II SYNDROME; Otopalatodigital Syndrome Type 2 (FLNA-OPD2). Identifiers: Orphanet 669, Orphanet 90652, MedGen C1844696, MONDO:0010571, OMIM 304120.
Heterotopia, periventricular, X-linked dominant (PVNH1). Also called: PERIVENTRICULAR NODULAR HETEROTOPIA 1; X-linked periventricular heterotopia; PERIVENTRICULAR NODULAR HETEROTOPIA 4; HETEROTOPIA, PERIVENTRICULAR, 1. Identifiers: Orphanet 2149, Orphanet 82004, MedGen C1848213, MONDO:0010233, OMIM 300049.
Frontometaphyseal dysplasia (FMD1). Identifiers: Orphanet 1826, MedGen C0265293, MONDO:0015942.
FLNA-related disorder.
Connective tissue disorder. Also called: Connective tissue disease. Identifiers: MedGen C0009782, MONDO:0003900.
FG syndrome 2 (FGS2). Identifiers: MedGen C1845902, MONDO:0010297, OMIM 300321.
Frontometaphyseal dysplasia 1 (FMD1). Also called: Frontometaphyseal Dysplasia (FLNA-FMD). Identifiers: Orphanet 1826, MedGen C4281559, MONDO:0024550, OMIM 305620.
Terminal osseous dysplasia-pigmentary defects syndrome. Also called: ODPF SYNDROME; OSSEOUS DYSPLASIA, DIGITAL, WITH FACIAL PIGMENTARY DEFECTS AND MULTIPLE FRENULA; ODPD; TERMINAL OSSEOUS DYSPLASIA AND PIGMENTARY DEFECTS; Terminal Osseous Dysplasia (FLNA-TOD). Identifiers: Orphanet 88630, MedGen C1846129, MONDO:0010279, OMIM 300244.
Intestinal pseudoobstruction, neuronal, chronic idiopathic, X-linked (CIIPX). Also called: CONGENITAL IDIOPATHIC INTESTINAL PSEUDOOBSTRUCTION; INTESTINAL PSEUDOOBSTRUCTION, NEURONAL, CHRONIC IDIOPATHIC, WITH CENTRAL NERVOUS SYSTEM INVOLVEMENT; FLNA-Related Periventricular Nodular Heterotopia (FLNA-Related PVNH; Huttenlocher Syndrome). Identifiers: Orphanet 2301, MedGen C2746068, MONDO:0010232, OMIM 300048.
Cardiac valvular dysplasia, X-linked (CVDPX). Also called: MYXOMATOUS VALVULAR DYSTROPHY, X-LINKED; VALVULAR HEART DISEASE, CONGENITAL; FLNA-Related X-linked Cardiac Valvular Dysplasia; Congenital valvular dysplasia; Isolated X-Linked Cardiac Valvular Dysplasia. Identifiers: Orphanet 1864, Orphanet 555877, Orphanet 75497, MedGen C0262436, MONDO:0010753, OMIM 314400.
Oto-palato-digital syndrome, type I (OPD1). Also called: Otopalatodigital Syndrome, Type I; OPD I SYNDROME; OPD SYNDROME 1; Otopalatodigital Syndrome Type 1 (FLNA-OPD1); Taybi syndrome. Identifiers: Orphanet 669, Orphanet 90650, MedGen C0265251, MONDO:0010704, OMIM 311300.
Familial thoracic aortic aneurysm and aortic dissection (TAAD). Also called: Thoracic aortic aneurysms and dissections. Identifiers: Orphanet 91387, MedGen C4707243, MONDO:0019625.

Allele frequency attached by ClinVar (database versions not stated): TOPMed 0.00035; gnomAD 0.00043 and 0.00046; gnomAD exomes 0.00043 and 0.00063; ExAC 0.00044; ESP Exome Variant Server 0.00079.
gnomAD v4.1: 745 of 1,210,258 alleles (0.062%); highest among the groups gnomAD compares: Non-Finnish European, 0.076%; no homozygotes.

Submissions (16):

Labcorp Genetics (formerly Invitae), Labcorp
Classification: Benign for Oto-palato-digital syndrome, type II; Heterotopia, periventricular, X-linked dominant; Frontometaphyseal dysplasia; Melnick-Needles syndrome. Last evaluated: 2026-01-30. Review status: criteria provided, single submitter. Criteria: Invitae Variant Classification Sherloc (09022015). Collection method: clinical testing. Allele origin: germline.

Women's Health and Genetics/Laboratory Corporation of America, LabCorp
Classification: Likely benign. Last evaluated: 2025-09-08. Review status: criteria provided, single submitter. Criteria: LabCorp Variant Classification Summary - May 2015. Collection method: clinical testing. Allele origin: germline.
Comment: Variant summary: FLNA c.7267C>T (p.Pro2423Ser) results in a non-conservative amino acid change in the encoded protein sequence. Algorithms developed to predict the effect of missense changes on protein structure and function all suggest that this variant is likely to be disruptive. The variant allele was found at a frequency of 0.00043 in 181695 control chromosomes (gnomAD). The observed variant frequency exceeds the estimated maximal expected allele frequency for disease-causing variants in FLNA. To our knowledge, no occurrence of c.7267C>T in individuals affected with FLNA-related conditions and no experimental evidence demonstrating its impact on protein function have been reported. ClinVar contains an entry for this variant (Variation ID: 213485). Based on the evidence outlined above, the variant was classified as likely benign.

ARUP Laboratories, Molecular Genetics and Genomics, ARUP Laboratories
Classification: Likely benign. Last evaluated: 2025-03-05. Review status: criteria provided, single submitter. Criteria: ARUP Molecular Germline Variant Investigation Process 2024. Collection method: clinical testing. Allele origin: germline.

Mayo Clinic Laboratories, Mayo Clinic
Classification: Likely benign. Last evaluated: 2024-10-22. Review status: criteria provided, single submitter. Criteria: ACMG Guidelines, 2015. Collection method: clinical testing. Allele origin: germline. Observed: 4 variant alleles.
Comment: BS2, BP4

Blueprint Genetics
Classification: Likely benign. Last evaluated: 2024-10-16. Review status: criteria provided, single submitter. Criteria: ACMG Guidelines, 2015. Collection method: clinical testing. Allele origin: germline.

Fulgent Genetics
Classification: Likely benign for Intestinal pseudoobstruction, neuronal, chronic idiopathic, X-linked; Heterotopia, periventricular, X-linked dominant; Terminal osseous dysplasia-pigmentary defects syndrome; FG syndrome 2; Oto-palato-digital syndrome, type II; Frontometaphyseal dysplasia 1; Melnick-Needles syndrome; Oto-palato-digital syndrome, type I; Cardiac valvular dysplasia, X-linked. Last evaluated: 2021-12-15. Review status: criteria provided, single submitter. Criteria: ACMG Guidelines, 2015. Collection method: clinical testing. Allele origin: unknown.

Johns Hopkins Genomics, Johns Hopkins University
Classification: Likely benign. Last evaluated: 2020-12-02. Review status: criteria provided, single submitter. Criteria: ACMG Guidelines, 2015. Collection method: clinical testing. Allele origin: germline.

GeneDx
Classification: Likely benign. Last evaluated: 2020-10-07. Review status: criteria provided, single submitter. Criteria: GeneDx Variant Classification Process June 2021. Collection method: clinical testing. Allele origin: germline. Affected: yes.

Ambry Genetics
Classification: Benign for Familial thoracic aortic aneurysm and aortic dissection. Last evaluated: 2018-04-12. Review status: criteria provided, single submitter. Criteria: Ambry Variant Classification Scheme 2023. Collection method: clinical testing. Allele origin: germline.

Eurofins Ntd Llc (ga)
Classification: Likely benign. Last evaluated: 2017-08-22. Review status: criteria provided, single submitter. Criteria: EGL Classification Definitions 2015. Collection method: clinical testing. Allele origin: germline. Observed: 1 variant allele, 1 heterozygote.

Center for Human Genetics, Inc
Classification: Likely benign for Connective tissue disorder. Last evaluated: 2016-11-01. Review status: criteria provided, single submitter. Criteria: ACMG Guidelines, 2015. Collection method: clinical testing. Allele origin: germline. Affected: yes.

Center for Pediatric Genomic Medicine, Children's Mercy Hospital and Clinics
Classification: Likely benign. Last evaluated: 2016-09-01. Review status: criteria provided, single submitter. Criteria: ACMG Guidelines, 2015. Collection method: clinical testing. Allele origin: germline.
ClinVar note: Converted during submission from Likely Benign to Likely benign.

Genetic Services Laboratory, University of Chicago
Classification: Likely benign. Last evaluated: 2022-12-14. Review status: no assertion criteria provided. Collection method: clinical testing. Allele origin: germline. Affected: no. Not counted in ClinVar's aggregate classification.

PreventionGenetics, part of Exact Sciences
Classification: Likely benign for FLNA-related condition. Last evaluated: 2021-04-22. Review status: no assertion criteria provided. Collection method: clinical testing. Allele origin: germline. Not counted in ClinVar's aggregate classification.
Comment: This variant is classified as likely benign based on ACMG/AMP sequence variant interpretation guidelines (Richards et al. 2015 PMID: 25741868, with internal and published modifications).

Clinical Genetics DNA and cytogenetics Diagnostics Lab, Erasmus MC, Erasmus Medical Center
Classification: Likely benign. Review status: no assertion criteria provided. Collection method: clinical testing. Allele origin: germline. Affected: yes. Study: VKGL Data-share Consensus. Not counted in ClinVar's aggregate classification.

Genome Diagnostics Laboratory, University Medical Center Utrecht
Classification: Likely benign. Review status: no assertion criteria provided. Collection method: clinical testing. Allele origin: germline. Affected: yes. Study: VKGL Data-share Consensus. Not counted in ClinVar's aggregate classification.